The following is an entry in ClinVar:

NM_001367943.1(TCF7L2):c.1152T>G (p.Leu384=)

Gene: TCF7L2 (transcription factor 7 like 2; plus strand). Cytogenetic location: 10q25.3.
Variant type: single nucleotide variant.
Coding change: c.1152T>G on transcript NM_001367943.1 (MANE Select); coding-DNA position 1152, T replaced by G.
Protein change: p.Leu384=; no amino-acid change (leucine 384 retained).
Molecular consequence: synonymous variant.
Genome position (GRCh38, 1-based): chr10:113,151,875, T>G. VCF-style: chr10-113151875-T-G. GRCh37 (hg19) VCF-style: chr10-114911634-T-G.
Other names: c.1152T>G, p.Leu384= (NM_001146274.2, NM_001198531.2, NM_001363501.2); c.1224T>G, p.Leu408= (NM_001146283.2); c.1071T>G, p.Leu357= (NM_001146284.2, NM_001198527.2); c.1083T>G, p.Leu361= (NM_001146285.2, NM_001146286.2, NM_001198526.2 and 3 more transcripts); c.1098T>G, p.Leu366= (NM_001198525.2); c.981T>G, p.Leu327= (NM_001198530.2); c.723T>G, p.Leu241= (NM_001349870.2); c.603T>G, p.Leu201= (NM_001349871.1).
Identifiers: ClinVar variation 2640842 (VCV002640842.24), dbSNP rs2544361953, ClinGen allele CA471398790.
Genomic context (GRCh38, chr10:113,151,875, plus strand): 5'-GAGAGCAAAGGTCGTAGCTGAGTGCACGTTGAAAGAAAGCGCGGCCATCAACCAGATCCT[T>G]GGGCGGAGGGTAGGTGACGCCCTTCTCAGGGAGAAGCGGGGGGCGGGTGGTGAGGGACCA-3'
Protein context (NP_001354872.1, residues 374-394): LKESAAINQI[Leu384=]GRRWHALSRE

ClinVar aggregate classification (germline): Likely benign (1 of 4 stars; one submission).

Submission:

CeGaT Center for Human Genetics Tuebingen
Classification: Likely benign. Last evaluated: 2023-09-01. Review status: criteria provided, single submitter. Criteria: CeGaT Center For Human Genetics Tuebingen Variant Classification Criteria Version 2. Collection method: clinical testing. Allele origin: germline. Affected: yes. Observed: 1 variant allele.
Comment: TCF7L2: PM2:Supporting, BP4, BP7